The following is an entry in ClinVar:

NM_133433.4(NIPBL):c.3516G>T (p.Met1172Ile)

Gene: NIPBL (NIPBL cohesin loading factor; plus strand). Cytogenetic location: 5p13.2.
Variant type: single nucleotide variant.
Coding change: c.3516G>T on transcript NM_133433.4 (MANE Select); coding-DNA position 3516, G replaced by T.
Protein change: p.Met1172Ile; replaces methionine 1172 with isoleucine.
Molecular consequence: missense variant.
Genome position (GRCh38, 1-based): chr5:37,000,830, G>T. VCF-style: chr5-37000830-G-T. GRCh37 (hg19) VCF-style: chr5-37000932-G-T.
Other names: c.3516G>T, p.Met1172Ile (NM_015384.5); short protein forms M1172I.
Identifiers: ClinVar variation 1304767 (VCV001304767.6), dbSNP rs1746709380, ClinGen allele CA359518072.

ClinVar aggregate classification (germline): Uncertain significance. Review status: criteria provided, multiple submitters, no conflicts (2 of 4 stars). 2 submissions from 2 submitters: Uncertain significance (2). Last evaluated 2024-04-22.

Conditions:
Cornelia de Lange syndrome 1 (CDLS1). Also called: NIPBL-Related Cornelia de Lange Syndrome; TYPUS DEGENERATIVUS AMSTELODAMENSIS; Brachmann de Lange syndrome. Identifiers: Orphanet 199, MedGen C4551851, MONDO:0007387, OMIM 122470.

Allele frequency attached by ClinVar (database versions not stated): TOPMed below 0.00001; gnomAD exomes 0.00001.

Submissions (2):

Labcorp Genetics (formerly Invitae), Labcorp
Classification: Uncertain significance for Cornelia de Lange syndrome 1. Last evaluated: 2024-04-22. Review status: criteria provided, single submitter. Criteria: Invitae Variant Classification Sherloc (09022015). Collection method: clinical testing. Allele origin: germline.
Comment: This sequence change replaces methionine, which is neutral and non-polar, with isoleucine, which is neutral and non-polar, at codon 1172 of the NIPBL protein (p.Met1172Ile). This variant is not present in population databases (gnomAD no frequency). This variant has not been reported in the literature in individuals affected with NIPBL-related conditions. ClinVar contains an entry for this variant (Variation ID: 1304767). Advanced modeling of protein sequence and biophysical properties (such as structural, functional, and spatial information, amino acid conservation, physicochemical variation, residue mobility, and thermodynamic stability) performed at Invitae indicates that this missense variant is not expected to disrupt NIPBL protein function with a negative predictive value of 95%. In summary, the available evidence is currently insufficient to determine the role of this variant in disease. Therefore, it has been classified as a Variant of Uncertain Significance.

GeneDx
Classification: Uncertain significance. Last evaluated: 2019-04-01. Review status: criteria provided, single submitter. Criteria: GeneDx Variant Classification Process June 2021. Collection method: clinical testing. Allele origin: germline. Affected: yes.
Comment: Not observed in large population cohorts (Lek et al., 2016); In silico analysis, which includes protein predictors and evolutionary conservation, supports that this variant does not alter protein structure/function